The following is an entry in ClinVar:

ClinVar aggregate classification (germline): Uncertain significance (1 of 4 stars; one submission).

Conditions:
Predisposition to invasive fungal disease due to CARD9 deficiency (IMD103). Also called: CARD9 IMMUNODEFICIENCY; IMMUNODEFICIENCY 103, SUSCEPTIBILITY TO FUNGAL INFECTIONS; Candidiasis, familial, 2, autosomal recessive. Identifiers: Orphanet 457088, MedGen C1859353, MONDO:0008905, OMIM 212050.

Allele frequency attached by ClinVar (database versions not stated): ExAC 0.00001; gnomAD exomes 0.00001; TOPMed 0.00001.
gnomAD v4.1: 8 of 1,604,172 alleles (0.0005%); highest among the groups gnomAD compares: East Asian, 0.0022%; no homozygotes.

Submission:

Labcorp Genetics (formerly Invitae), Labcorp
Classification: Uncertain significance for Predisposition to invasive fungal disease due to CARD9 deficiency. Last evaluated: 2022-03-19. Review status: criteria provided, single submitter. Criteria: Invitae Variant Classification Sherloc (09022015). Collection method: clinical testing. Allele origin: germline.
Comment: The frequency data for this variant in the population databases is considered unreliable, as metrics indicate poor data quality at this position in the gnomAD database. In summary, the available evidence is currently insufficient to determine the role of this variant in disease. Therefore, it has been classified as a Variant of Uncertain Significance. Algorithms developed to predict the effect of missense changes on protein structure and function output the following: SIFT: "Tolerated"; PolyPhen-2: "Benign"; Align-GVGD: "Class C0". The glutamine amino acid residue is found in multiple mammalian species, which suggests that this missense change does not adversely affect protein function. ClinVar contains an entry for this variant (Variation ID: 1047263). This variant has not been reported in the literature in individuals affected with CARD9-related conditions. This sequence change replaces arginine, which is basic and polar, with glutamine, which is neutral and polar, at codon 314 of the CARD9 protein (p.Arg314Gln).

NM_052813.5(CARD9):c.941G>A (p.Arg314Gln)

Gene: CARD9 (caspase recruitment domain family member 9; minus strand). Cytogenetic location: 9q34.3.
Variant type: single nucleotide variant.
Coding change: c.941G>A on transcript NM_052813.5 (MANE Select); coding-DNA position 941, G replaced by A.
Protein change: p.Arg314Gln; replaces arginine 314 with glutamine.
Molecular consequence: missense variant.
Genome position (GRCh38, 1-based): chr9:136,370,304, C>T on the plus strand (G>A on the coding strand, the complement: CARD9 is on the minus strand). VCF-style: chr9-136370304-C-T. GRCh37 (hg19) VCF-style: chr9-139264756-C-T.
Other names: c.941G>A, p.Arg314Gln (NM_052814.4); short protein forms R314Q.
Identifiers: ClinVar variation 1047263 (VCV001047263.9), dbSNP rs747970437, ClinGen allele CA5332930.
Genomic context (GRCh38, chr9:136,370,304, plus strand): 5'-CCAGCCTGGCTTGGACCCCAGGGGCCATGTCTCCCCGCCTGCCCTCCTACCCGGAGGCGT[C>T]GGGCCTCGCCCTGGCGGAGGTCCTTGCGCAGGGAGAAGATGGTGTTGGCCTGCTCCTGGT-3'
Protein context (NP_434700.2, residues 304-324): LRKDLRQGEA[Arg314Gln]RLRCMEEKEM